The following is an entry in ClinVar:

NM_005235.3(ERBB4):c.1057A>G (p.Ile353Val)

Gene: ERBB4 (erb-b2 receptor tyrosine kinase 4; minus strand). Cytogenetic location: 2q34.
Variant type: single nucleotide variant.
Coding change: c.1057A>G on transcript NM_005235.3 (MANE Select); coding-DNA position 1057, A replaced by G.
Protein change: p.Ile353Val; replaces isoleucine 353 with valine.
Molecular consequence: missense variant.
Genome position (GRCh38, 1-based): chr2:211,712,117, T>C on the plus strand (A>G on the coding strand, the complement: ERBB4 is on the minus strand). VCF-style: chr2-211712117-T-C. GRCh37 (hg19) VCF-style: chr2-212576842-T-C.
Other names: c.1057A>G, p.Ile353Val (NM_001042599.2); short protein forms I353V.
Identifiers: ClinVar variation 2993721 (VCV002993721.3), dbSNP rs921053875, ClinGen allele CA64759185.

ClinVar aggregate classification (germline): Uncertain significance (1 of 4 stars; one submission).

Allele frequency attached by ClinVar (database versions not stated): gnomAD 0.00001; gnomAD exomes below 0.00001; TOPMed below 0.00001.
gnomAD v4.1: 2 of 1,612,598 alleles (0.00012%); highest among the groups gnomAD compares: Non-Finnish European, 0.00017%; no homozygotes.

Submission:

Labcorp Genetics (formerly Invitae), Labcorp
Classification: Uncertain significance. Last evaluated: 2025-07-30. Review status: criteria provided, single submitter. Criteria: Invitae Variant Classification Sherloc (09022015). Collection method: clinical testing. Allele origin: germline.
Comment: This sequence change replaces isoleucine, which is neutral and non-polar, with valine, which is neutral and non-polar, at codon 353 of the ERBB4 protein (p.Ile353Val). This variant is not present in population databases (gnomAD no frequency). This variant has not been reported in the literature in individuals affected with ERBB4-related conditions. ClinVar contains an entry for this variant (Variation ID: 2993721). Invitae Evidence Modeling of protein sequence and biophysical properties (such as structural, functional, and spatial information, amino acid conservation, physicochemical variation, residue mobility, and thermodynamic stability) indicates that this missense variant is not expected to disrupt ERBB4 protein function with a negative predictive value of 80%. In summary, the available evidence is currently insufficient to determine the role of this variant in disease. Therefore, it has been classified as a Variant of Uncertain Significance.